The following is an entry in ClinVar:

ClinVar aggregate classification (germline): Uncertain significance (1 of 4 stars; one submission).

Submission:

Labcorp Genetics (formerly Invitae), Labcorp
Classification: Uncertain significance. Last evaluated: 2025-12-21. Review status: criteria provided, single submitter. Criteria: Invitae Variant Classification Sherloc (09022015). Collection method: clinical testing. Allele origin: germline.
Comment: This sequence change replaces lysine, which is basic and polar, with arginine, which is basic and polar, at codon 388 of the ZMYND11 protein (p.Lys388Arg). This variant is not present in population databases (gnomAD no frequency). This variant has not been reported in the literature in individuals affected with ZMYND11-related conditions. Invitae Evidence Modeling of protein sequence and biophysical properties (such as structural, functional, and spatial information, amino acid conservation, physicochemical variation, residue mobility, and thermodynamic stability) indicates that this missense variant is not expected to disrupt ZMYND11 protein function with a negative predictive value of 80%. In summary, the available evidence is currently insufficient to determine the role of this variant in disease. Therefore, it has been classified as a Variant of Uncertain Significance.

NM_001370100.5(ZMYND11):c.1163A>G (p.Lys388Arg)

Gene: ZMYND11 (zinc finger MYND-type containing 11; plus strand). Cytogenetic location: 10p15.3.
Variant type: single nucleotide variant.
Coding change: c.1163A>G on transcript NM_001370100.5 (MANE Select); coding-DNA position 1163, A replaced by G.
Protein change: p.Lys388Arg; replaces lysine 388 with arginine.
Molecular consequence: missense variant. On other transcripts: non-coding transcript variant (1), intron variant (2).
Genome position (GRCh38, 1-based): chr10:247,402, A>G. VCF-style: chr10-247402-A-G. GRCh37 (hg19) VCF-style: chr10-293342-A-G.
Other names: c.1001A>G, p.Lys334Arg (NM_001202464.3, NM_001202467.1, NM_001370103.2 and 6 more transcripts); c.908A>G, p.Lys303Arg (NM_001202465.3, NM_001370110.2); c.998A>G, p.Lys333Arg (NM_001202466.3, NM_001370111.2); c.1163A>G, p.Lys388Arg (NM_001202468.1, NM_001370097.3, NM_001370098.2 and 4 more transcripts); c.1112A>G, p.Lys371Arg (NM_001330057.3, NM_001370112.2); c.1070A>G, p.Lys357Arg (NM_001370113.2, NM_001370114.2); c.1160A>G, p.Lys387Arg (NM_001370115.2, NM_212479.4); c.1097A>G, p.Lys366Arg (NM_001370116.2); and 8 more; short protein forms K231R, K303R, K334R, K294R, K312R, K348R, K371R, K387R.
Identifiers: ClinVar variation 4741596 (VCV004741596.1).